The following is an entry in ClinVar:

ClinVar aggregate classification (germline): Pathogenic (1 of 4 stars; one submission).

Submission:

Labcorp Genetics (formerly Invitae), Labcorp
Classification: Pathogenic. Last evaluated: 2024-10-30. Review status: criteria provided, single submitter. Criteria: Invitae Variant Classification Sherloc (09022015). Collection method: clinical testing. Allele origin: germline.
Comment: This sequence change creates a premature translational stop signal (p.Arg431Thrfs*3) in the MBD4 gene. It is expected to result in an absent or disrupted protein product. Loss-of-function variants in MBD4 are known to be pathogenic (PMID: 30049810, 35460607). This variant is not present in population databases (gnomAD no frequency). This variant has not been reported in the literature in individuals affected with MBD4-related conditions. For these reasons, this variant has been classified as Pathogenic.

Literature cited by the submitters: PubMed 30049810; PubMed 35460607.

NM_001276270.2(MBD4):c.1272dup (p.Arg425fs)

Gene: MBD4 (methyl-CpG binding domain 4, DNA glycosylase; minus strand). Cytogenetic location: 3q21.3.
Variant type: Duplication.
Coding change: c.1272dup on transcript NM_001276270.2 (MANE Select); coding-DNA position 1272, one base duplicated (A; older notation c.1272dupA).
Protein change: p.Arg425fs; shifts the reading frame from arginine 425.
Molecular consequence: frameshift variant.
Genome position (GRCh38, 1-based): chr3:129,433,971, T duplicated on the plus strand (A on the coding strand, the reverse complement: MBD4 is on the minus strand). VCF-style (leftmost placement, unchanged base first): chr3-129433970-G-GT. GRCh37 (hg19) VCF-style: chr3-129152813-G-GT.
Other names: c.1290dup, p.Arg431fs (NM_001276271.2, NM_001276272.2, NM_003925.3); c.336dup, p.Arg113fs (NM_001276273.2); short protein forms R431fs, R425fs, R113fs.
Identifiers: ClinVar variation 3724169 (VCV003724169.2).